The following is an entry in ClinVar:

ClinVar aggregate classification (germline): Uncertain significance. Review status: criteria provided, multiple submitters, no conflicts (2 of 4 stars). 2 submissions from 2 submitters: Uncertain significance (2). Last evaluated 2025-11-27.

Conditions:
Brugada syndrome. Also called: Sudden Unexplained Death Syndrome; Sudden Unexplained Nocturnal Death Syndrome (SUNDS); Sudden unexplained nocturnal death syndrome; Sudden unexpected nocturnal death syndrome. Identifiers: Orphanet 130, MedGen C1142166, MONDO:0015263.

Allele frequency attached by ClinVar (database versions not stated): gnomAD 0.00001; TOPMed 0.00002.
gnomAD v4.1: 16 of 1,612,516 alleles (0.00099%); highest among the groups gnomAD compares: Non-Finnish European, 0.0013%; no homozygotes.

Submissions (2):

Labcorp Genetics (formerly Invitae), Labcorp
Classification: Uncertain significance for Brugada syndrome. Last evaluated: 2025-11-27. Review status: criteria provided, single submitter. Criteria: Invitae Variant Classification Sherloc (09022015). Collection method: clinical testing. Allele origin: germline.
Comment: This sequence change replaces arginine, which is basic and polar, with tryptophan, which is neutral and slightly polar, at codon 178 of the SLMAP protein (p.Arg178Trp). This variant is present in population databases (no rsID available, gnomAD 0.004%). This variant has not been reported in the literature in individuals affected with SLMAP-related conditions. ClinVar contains an entry for this variant (Variation ID: 1043868). An algorithm developed to predict the effect of missense changes on protein structure and function (PolyPhen-2) suggests that this variant is likely to be disruptive. In summary, the available evidence is currently insufficient to determine the role of this variant in disease. Therefore, it has been classified as a Variant of Uncertain Significance.

Ambry Genetics
Classification: Uncertain significance. Last evaluated: 2024-09-20. Review status: criteria provided, single submitter. Criteria: Ambry Variant Classification Scheme 2023. Collection method: clinical testing. Allele origin: germline.
Comment: The p.R178W variant (also known as c.532C>T), located in coding exon 6 of the SLMAP gene, results from a C to T substitution at nucleotide position 532. The arginine at codon 178 is replaced by tryptophan, an amino acid with dissimilar properties. This amino acid position is conserved. In addition, this alteration is predicted to be deleterious by in silico analysis. Based on the available evidence, the clinical significance of this variant remains unclear.

NM_001377540.1(SLMAP):c.532C>T (p.Arg178Trp)

Gene: SLMAP (sarcolemma associated protein; plus strand). Cytogenetic location: 3p14.3.
Variant type: single nucleotide variant.
Coding change: c.532C>T on transcript NM_001377540.1 (MANE Select); coding-DNA position 532, C replaced by T.
Protein change: p.Arg178Trp; replaces arginine 178 with tryptophan.
Molecular consequence: missense variant. On other transcripts: non-coding transcript variant (1).
Genome position (GRCh38, 1-based): chr3:57,857,745, C>T. VCF-style: chr3-57857745-C-T. GRCh37 (hg19) VCF-style: chr3-57843472-C-T.
Other names: c.532C>T (NM_007159.2); c.532C>T, p.Arg178Trp (NM_001304420.3, NM_001304421.2, NM_001377538.1 and 17 more transcripts); short protein forms R178W.
Identifiers: ClinVar variation 1043868 (VCV001043868.6), dbSNP rs766644866, ClinGen allele CA75407155.